The following is an entry in ClinVar:

NM_001018113.3(FANCB):c.1178C>T (p.Pro393Leu)

Gene: FANCB (FA complementation group B; minus strand). Cytogenetic location: Xp22.2.
Variant type: single nucleotide variant.
Coding change: c.1178C>T on transcript NM_001018113.3 (MANE Select); coding-DNA position 1178, C replaced by T.
Protein change: p.Pro393Leu; replaces proline 393 with leucine.
Molecular consequence: missense variant.
Genome position (GRCh38, 1-based): chrX:14,857,881, G>A on the plus strand (C>T on the coding strand, the complement: FANCB is on the minus strand). VCF-style: chrX-14857881-G-A. GRCh37 (hg19) VCF-style: chrX-14876003-G-A.
Other names: c.1178C>T, p.Pro393Leu (NM_001324162.2, NM_001410764.1, NM_152633.4); short protein forms P393L.
Identifiers: ClinVar variation 4072801 (VCV004072801.1).
Genomic context (GRCh38, chrX:14,857,881, plus strand): 5'-TAACACTAATCGAAAAGCAAAAGAAGCAAACAGACACTAACTTTCAGTCCTGTTTCTAGA[G>A]GTGGAACCACCAGGTAACGATTCTCTTGTTTGTCTTCAAATAAGTCATCTTCATTGCAAT-3'
Protein context (NP_001018123.1, residues 383-403): KQENRYLVVP[Pro393Leu]LETGLKVCFS

ClinVar aggregate classification (germline): Uncertain significance (1 of 4 stars; one submission).

gnomAD v4.1: 2 of 1,188,139 alleles (0.00017%); highest among the groups gnomAD compares: African/African-American, 0.0035%; no homozygotes.

Submission:

GeneDx
Classification: Uncertain significance. Last evaluated: 2025-02-02. Review status: criteria provided, single submitter. Criteria: GeneDx Variant Classification Process June 2021. Collection method: clinical testing. Allele origin: germline. Affected: yes.
Comment: Not observed at significant frequency in large population cohorts (gnomAD); In silico analysis supports that this missense variant has a deleterious effect on protein structure/function; Has not been previously published as pathogenic or benign to our knowledge